The following is an entry in ClinVar:

NM_005732.4(RAD50):c.3409A>T (p.Ser1137Cys)

Genes: RAD50 (RAD50 double strand break repair protein; plus strand), TH2-LCR (Th2 cytokine locus control region; plus strand), TH2LCRR (T helper type 2 locus control region associated RNA; minus strand). Cytogenetic location: 5q31.1.
Variant type: single nucleotide variant.
Coding change: c.3409A>T on transcript NM_005732.4 (MANE Select); coding-DNA position 3409, A replaced by T.
Protein change: p.Ser1137Cys; replaces serine 1137 with cysteine.
Molecular consequence: missense variant.
Genome position (GRCh38, 1-based): chr5:132,637,134, A>T. VCF-style: chr5-132637134-A-T. GRCh37 (hg19) VCF-style: chr5-131972826-A-T.
Other names: short protein forms S1137C.
Identifiers: ClinVar variation 3224975 (VCV003224975.1), dbSNP rs2149862711, ClinGen allele CA360929843.

ClinVar aggregate classification (germline): Uncertain significance (1 of 4 stars; one submission).

Conditions:
Hereditary cancer-predisposing syndrome. Also called: Neoplastic Syndromes, Hereditary; Tumor predisposition; Hereditary neoplastic syndrome; Hereditary Cancer Syndrome. Identifiers: Orphanet 140162, MedGen C0027672, MeSH D009386, MONDO:0015356.

Submission:

Ambry Genetics
Classification: Uncertain significance for Hereditary cancer-predisposing syndrome. Last evaluated: 2024-01-12. Review status: criteria provided, single submitter. Criteria: Ambry Variant Classification Scheme 2023. Collection method: clinical testing. Allele origin: germline.
Comment: The p.S1137C variant (also known as c.3409A>T), located in coding exon 22 of the RAD50 gene, results from an A to T substitution at nucleotide position 3409. The serine at codon 1137 is replaced by cysteine, an amino acid with dissimilar properties. This amino acid position is conserved. In addition, this alteration is predicted to be deleterious by in silico analysis. Since supporting evidence is limited at this time, the clinical significance of this alteration remains unclear.